The following is an entry in ClinVar:

ClinVar aggregate classification (germline): Uncertain significance (1 of 4 stars; one submission).

Conditions:
Dyskeratosis congenita. Identifiers: Orphanet 1775, MedGen C0265965, MONDO:0015780.

Submission:

Labcorp Genetics (formerly Invitae), Labcorp
Classification: Uncertain significance for Dyskeratosis congenita. Last evaluated: 2026-01-24. Review status: criteria provided, single submitter. Criteria: Invitae Variant Classification Sherloc (09022015). Collection method: clinical testing. Allele origin: germline.
Comment: This sequence change replaces glutamine, which is neutral and polar, with histidine, which is basic and polar, at codon 1038 of the CTC1 protein (p.Gln1038His). This variant is not present in population databases (gnomAD no frequency). This variant has not been reported in the literature in individuals affected with CTC1-related conditions. An algorithm developed to predict the effect of missense changes on protein structure and function outputs the following: PolyPhen-2: "Benign". The histidine amino acid residue is found in multiple mammalian species, which suggests that this missense change does not adversely affect protein function. In summary, the available evidence is currently insufficient to determine the role of this variant in disease. Therefore, it has been classified as a Variant of Uncertain Significance.

NM_025099.6(CTC1):c.3114G>T (p.Gln1038His)

Gene: CTC1 (CST telomere replication complex component 1; minus strand). Cytogenetic location: 17p13.1.
Variant type: single nucleotide variant.
Coding change: c.3114G>T on transcript NM_025099.6 (MANE Select); coding-DNA position 3114, G replaced by T.
Protein change: p.Gln1038His; replaces glutamine 1038 with histidine.
Molecular consequence: missense variant. On other transcripts: non-coding transcript variant (1).
Genome position (GRCh38, 1-based): chr17:8,229,344, C>A on the plus strand (G>T on the coding strand, the complement: CTC1 is on the minus strand). VCF-style: chr17-8229344-C-A. GRCh37 (hg19) VCF-style: chr17-8132662-C-A.
Other names: c.3114G>T, p.Gln1038His (NM_001411067.1); short protein forms Q1038H.
Identifiers: ClinVar variation 4774845 (VCV004774845.1).
Genomic context (GRCh38, chr17:8,229,344, plus strand): 5'-GTTCCTTCCCTCCCTTACCTGCCGGCAGATGCTGGTACAATAAGCACACACCCAGAAGAG[C>A]TGAAGGCTGAAGACAGAGACGATATGGCAAGAGGCAGTGGCCTGGAATGGGGACTGACCA-3'
Protein context (NP_079375.3, residues 1028-1048): SCHIVSVFSL[Gln1038His]LFWVCAYCTS